The following is an entry in ClinVar:

NC_000002.11:g.(?_58449057)_(58468448_?)del

Gene: FANCL (FA complementation group L; minus strand). Cytogenetic location: 2p16.1.
Variant type: Deletion.
Identifiers: ClinVar variation 3247126 (VCV003247126.1).

ClinVar aggregate classification (germline): Pathogenic (1 of 4 stars; one submission).

Conditions:
Fanconi anemia (FA). Also called: Fanconi's anemia. Identifiers: Orphanet 84, MedGen C0015625, MeSH D005199, MONDO:0019391.

Submission:

Labcorp Genetics (formerly Invitae), Labcorp
Classification: Pathogenic for Fanconi anemia. Last evaluated: 2023-08-29. Review status: criteria provided, single submitter. Criteria: Invitae Variant Classification Sherloc (09022015). Collection method: clinical testing. Allele origin: unknown.
Comment: This variant has not been reported in the literature in individuals affected with FANCL-related conditions. This variant is a gross deletion of the genomic region encompassing exon(s) 1-5 of the FANCL gene, which includes the initiator codon. This deletion extends beyond the assayed region for this gene and therefore may encompass additional genes. It is expected to result in an absent or disrupted protein product. Loss-of-function variants in FANCL are known to be pathogenic (PMID: 19405097, 23613520). For these reasons, this variant has been classified as Pathogenic.

Literature cited by the submitters: PubMed 19405097; PubMed 23613520.